The following is an entry in ClinVar:

NM_138694.4(PKHD1):c.10651G>A (p.Glu3551Lys)

Gene: PKHD1 (PKHD1 ciliary IPT domain containing fibrocystin/polyductin; minus strand). Cytogenetic location: 6p12.3.
Variant type: single nucleotide variant.
Coding change: c.10651G>A on transcript NM_138694.4 (MANE Select); coding-DNA position 10651, G replaced by A.
Protein change: p.Glu3551Lys; replaces glutamic acid 3551 with lysine.
Molecular consequence: missense variant.
Genome position (GRCh38, 1-based): chr6:51,659,475, C>T on the plus strand (G>A on the coding strand, the complement: PKHD1 is on the minus strand). VCF-style: chr6-51659475-C-T. GRCh37 (hg19) VCF-style: chr6-51524273-C-T.
Other names: c.10651G>A (NM_138694.3); short protein forms E3551K.
Identifiers: ClinVar variation 501942 (VCV000501942.6), dbSNP rs751593192, ClinGen allele CA3851038.
Genomic context (GRCh38, chr6:51,659,475, plus strand): 5'-CTGAAACCATCACAGTGAGGGCCAAGTGAATGGAAACACCTGAGCGTATTTCAATGGGCT[C>T]CTCTCCTTGTAGGACAACATACAAGAGGTTATCCATGATGTTGAAATAGTTGGCACCAAT-3'
Protein context (NP_619639.3, residues 3541-3561): NLLYVVLQGE[Glu3551Lys]PIEIRSGVSI

ClinVar aggregate classification (germline): Uncertain significance. Review status: criteria provided, multiple submitters, no conflicts (2 of 4 stars). 2 submissions from 2 submitters: Uncertain significance (2). Last evaluated 2025-06-05.

Allele frequency attached by ClinVar (database versions not stated): gnomAD 0.00002; gnomAD exomes 0.00002 and 0.00005; ExAC 0.00004; TOPMed 0.00008.
gnomAD v4.1: 15 of 1,613,514 alleles (0.00093%); highest among the groups gnomAD compares: Admixed American, 0.025%; no homozygotes.

Submissions (2):

GeneDx
Classification: Uncertain significance. Last evaluated: 2025-06-05. Review status: criteria provided, single submitter. Criteria: GeneDx Variant Classification Process June 2021. Collection method: clinical testing. Allele origin: germline. Affected: yes.
Comment: In silico analysis suggests that this missense variant does not alter protein structure/function; Has not been previously reported as pathogenic in association with PKHD1-related disorders to our knowledge; This variant is associated with the following publications: (PMID: 15108277, 12874454)

Eurofins Ntd Llc (ga)
Classification: Uncertain significance. Last evaluated: 2017-05-08. Review status: criteria provided, single submitter. Criteria: EGL Classification Definitions 2015. Collection method: clinical testing. Allele origin: germline. Observed: 1 variant allele, 1 heterozygote.